The following is an entry in ClinVar:

NM_007194.4(CHEK2):c.1258T>G (p.Cys420Gly)

Gene: CHEK2 (checkpoint kinase 2; minus strand). Cytogenetic location: 22q12.1.
Variant type: single nucleotide variant.
Coding change: c.1258T>G on transcript NM_007194.4 (MANE Select); coding-DNA position 1258, T replaced by G.
Protein change: p.Cys420Gly; replaces cysteine 420 with glycine.
Molecular consequence: missense variant.
Genome position (GRCh38, 1-based): chr22:28,695,711, A>C on the plus strand (T>G on the coding strand, the complement: CHEK2 is on the minus strand). VCF-style: chr22-28695711-A-C. GRCh37 (hg19) VCF-style: chr22-29091699-A-C.
Other names: c.1387T>G, p.Cys463Gly (NM_001005735.3); c.595T>G, p.Cys199Gly (NM_001257387.3); c.1057T>G, p.Cys353Gly (NM_001349956.3); c.1171T>G, p.Cys391Gly (NM_145862.3); short protein forms C353G, C420G, C199G, C391G, C463G.
Identifiers: ClinVar variation 3676511 (VCV003676511.2).

ClinVar aggregate classification (germline): Uncertain significance (1 of 4 stars; one submission).

Conditions:
Familial cancer of breast. Also called: Hereditary breast cancer; hereditary breast carcinoma; BREAST CANCER, FAMILIAL. Identifiers: Orphanet 227535, MedGen C0346153, MONDO:0016419, OMIM 114480. Disease mechanism: loss of function.

Submission:

Labcorp Genetics (formerly Invitae), Labcorp
Classification: Uncertain significance for Familial cancer of breast. Last evaluated: 2024-02-04. Review status: criteria provided, single submitter. Criteria: Invitae Variant Classification Sherloc (09022015). Collection method: clinical testing. Allele origin: germline.
Comment: This sequence change replaces cysteine, which is neutral and slightly polar, with glycine, which is neutral and non-polar, at codon 420 of the CHEK2 protein (p.Cys420Gly). This variant is not present in population databases (gnomAD no frequency). This variant has not been reported in the literature in individuals affected with CHEK2-related conditions. An algorithm developed to predict the effect of missense changes on protein structure and function (PolyPhen-2) suggests that this variant is likely to be disruptive. In summary, the available evidence is currently insufficient to determine the role of this variant in disease. Therefore, it has been classified as a Variant of Uncertain Significance.